The following is an entry in ClinVar:

ClinVar aggregate classification (germline): Uncertain significance (1 of 4 stars; one submission).

gnomAD v4.1: 2 of 1,613,742 alleles (0.00012%); highest among the groups gnomAD compares: Non-Finnish European, 0.00017%; no homozygotes.

Submission:

Labcorp Genetics (formerly Invitae), Labcorp
Classification: Uncertain significance. Last evaluated: 2024-11-05. Review status: criteria provided, single submitter. Criteria: Invitae Variant Classification Sherloc (09022015). Collection method: clinical testing. Allele origin: germline.
Comment: This sequence change replaces valine, which is neutral and non-polar, with alanine, which is neutral and non-polar, at codon 1873 of the USH2A protein (p.Val1873Ala). This variant is not present in population databases (gnomAD no frequency). This variant has not been reported in the literature in individuals affected with USH2A-related conditions. Invitae Evidence Modeling of protein sequence and biophysical properties (such as structural, functional, and spatial information, amino acid conservation, physicochemical variation, residue mobility, and thermodynamic stability) indicates that this missense variant is not expected to disrupt USH2A protein function with a negative predictive value of 95%. In summary, the available evidence is currently insufficient to determine the role of this variant in disease. Therefore, it has been classified as a Variant of Uncertain Significance.

NM_206933.4(USH2A):c.5618T>C (p.Val1873Ala)

Genes: USH2A (usherin; minus strand), USH2A-AS2 (USH2A antisense RNA 2; plus strand). Cytogenetic location: 1q41.
Variant type: single nucleotide variant.
Coding change: c.5618T>C on transcript NM_206933.4 (MANE Select); coding-DNA position 5618, T replaced by C.
Protein change: p.Val1873Ala; replaces valine 1873 with alanine.
Molecular consequence: missense variant.
Genome position (GRCh38, 1-based): chr1:216,073,255, A>G on the plus strand (T>C on the coding strand, the complement: USH2A is on the minus strand). VCF-style: chr1-216073255-A-G. GRCh37 (hg19) VCF-style: chr1-216246597-A-G.
Other names: short protein forms V1873A.
Identifiers: ClinVar variation 3706688 (VCV003706688.2).
Genomic context (GRCh38, chr1:216,073,255, plus strand): 5'-GATAGGCATCCATCCAGATTGACTCTGACAGCACCGCTGGACACAGATGCCAAGTTAACG[A>G]CAGCACCCCGTGTAAATTTAACATCCTTCATGCAACCACCGAAACCTAGCAAATAGTAAG-3'
Protein context (NP_996816.3, residues 1863-1883): MKDVKFTRGA[Val1873Ala]VNLASVSSGA